The following is an entry in ClinVar:

NM_004006.3(DMD):c.492_511del (p.Asp165fs)

Gene: DMD (dystrophin; minus strand). Cytogenetic location: Xp21.1.
Variant type: Deletion.
Coding change: c.492_511del on transcript NM_004006.3 (MANE Select); coding-DNA positions 492 to 511, 20 bases deleted (TGATGGCCTGGCTTTGAATG).
Protein change: p.Asp165fs; shifts the reading frame from aspartic acid 165.
Molecular consequence: frameshift variant.
Genome position (GRCh38, 1-based): chrX:32,816,487-32,816,506, CATTCAAAGCCAGGCCATCA deleted on the plus strand (TGATGGCCTGGCTTTGAATG on the coding strand, the reverse complement: DMD is on the minus strand). VCF-style (leftmost placement, unchanged base first): chrX-32816486-GCATTCAAAGCCAGGCCATCA-G. GRCh37 (hg19) VCF-style: chrX-32834603-GCATTCAAAGCCAGGCCATCA-G.
Other names: c.468_487del, p.Asp157fs (NM_000109.4); c.480_499del, p.Asp161fs (NM_004009.3); c.123_142del, p.Asp42fs (NM_004010.3); short protein forms D157fs, D165fs, D161fs, D42fs.
Identifiers: ClinVar variation 2838387 (VCV002838387.3), dbSNP rs2524323724, ClinGen allele CA2739273501.

ClinVar aggregate classification (germline): Pathogenic (1 of 4 stars; one submission).

Conditions:
Duchenne muscular dystrophy (DMD). Also called: MUSCULAR DYSTROPHY, PSEUDOHYPERTROPHIC PROGRESSIVE, DUCHENNE TYPE; Duchenne Muscular Dystrophy (DMD). Identifiers: Orphanet 98896, MedGen C0013264, MONDO:0010679, OMIM 310200.

Submission:

Labcorp Genetics (formerly Invitae), Labcorp
Classification: Pathogenic for Duchenne muscular dystrophy. Last evaluated: 2023-02-16. Review status: criteria provided, single submitter. Criteria: Invitae Variant Classification Sherloc (09022015). Collection method: clinical testing. Allele origin: germline.
Comment: This variant is not present in population databases (gnomAD no frequency). This sequence change creates a premature translational stop signal (p.Asp165Serfs*4) in the DMD gene. It is expected to result in an absent or disrupted protein product. Loss-of-function variants in DMD are known to be pathogenic (PMID: 16770791, 25007885). This variant has not been reported in the literature in individuals affected with DMD-related conditions. For these reasons, this variant has been classified as Pathogenic.

Literature cited by the submitters: PubMed 16770791; PubMed 25007885.